The following is an entry in ClinVar:

ClinVar aggregate classification (germline): Uncertain significance. Review status: criteria provided, multiple submitters, no conflicts (2 of 4 stars). 2 submissions from 2 submitters: Uncertain significance (2). Last evaluated 2023-12-08.

Conditions:
Inborn genetic diseases. Identifiers: MedGen C0950123, MeSH D030342.

Allele frequency attached by ClinVar (database versions not stated): gnomAD exomes 0.00001; ExAC 0.00003; gnomAD 0.00005; 1000 Genomes Project 0.00020; 1000 Genomes Project 30x 0.00031.
gnomAD v4.1: 19 of 1,614,156 alleles (0.0012%); highest among the groups gnomAD compares: Middle Eastern, 0.033%; no homozygotes.

Submissions (2):

Ambry Genetics
Classification: Uncertain significance for Inborn genetic diseases. Last evaluated: 2023-12-08. Review status: criteria provided, single submitter. Criteria: Ambry Variant Classification Scheme 2023. Collection method: clinical testing. Allele origin: germline.

Athena Diagnostics
Classification: Uncertain significance. Last evaluated: 2023-04-13. Review status: criteria provided, single submitter. Criteria: Athena Diagnostics Criteria. Collection method: clinical testing. Allele origin: unknown.
Comment: Available data are insufficient to determine the clinical significance of the variant at this time. The frequency of this variant in the general population is higher than would generally be expected for pathogenic variants in this gene. Computational tools predict that this variant is not damaging.

NM_173500.4(TTBK2):c.2293C>G (p.Leu765Val)

Gene: TTBK2 (tau tubulin kinase 2; minus strand). Cytogenetic location: 15q15.2.
Variant type: single nucleotide variant.
Coding change: c.2293C>G on transcript NM_173500.4 (MANE Select); coding-DNA position 2293, C replaced by G.
Protein change: p.Leu765Val; replaces leucine 765 with valine.
Molecular consequence: missense variant.
Genome position (GRCh38, 1-based): chr15:42,752,953, G>C on the plus strand (C>G on the coding strand, the complement: TTBK2 is on the minus strand). VCF-style: chr15-42752953-G-C. GRCh37 (hg19) VCF-style: chr15-43045151-G-C.
Other names: short protein forms L765V.
Identifiers: ClinVar variation 2684071 (VCV002684071.2), dbSNP rs190887768, ClinGen allele CA7516754.